The following is an entry in ClinVar:

ClinVar aggregate classification (germline): Uncertain significance (1 of 4 stars; one submission).

Conditions:
Hypertrophic cardiomyopathy. Also called: HYPERTROPHIC MYOCARDIOPATHY. Identifiers: Orphanet 217569, MedGen C0007194, MeSH D002312, MONDO:0005045, HP:0001639.

Submission:

Labcorp Genetics (formerly Invitae), Labcorp
Classification: Uncertain significance for Hypertrophic cardiomyopathy. Last evaluated: 2025-01-13. Review status: criteria provided, single submitter. Criteria: Invitae Variant Classification Sherloc (09022015). Collection method: clinical testing. Allele origin: germline.
Comment: This sequence change falls in intron 2 of the TNNI3 gene. It does not directly change the encoded amino acid sequence of the TNNI3 protein. It affects a nucleotide within the consensus splice site. This variant is not present in population databases (gnomAD no frequency). This variant has not been reported in the literature in individuals affected with TNNI3-related conditions. Variants that disrupt the consensus splice site are a relatively common cause of aberrant splicing (PMID: 17576681, 9536098). Algorithms developed to predict the effect of sequence changes on RNA splicing suggest that this variant is not likely to affect RNA splicing. In summary, the available evidence is currently insufficient to determine the role of this variant in disease. Therefore, it has been classified as a Variant of Uncertain Significance.

Literature cited by the submitters: PubMed 17576681; PubMed 9536098.

NM_000363.5(TNNI3):c.24+3G>A

Gene: TNNI3 (troponin I3, cardiac type; minus strand). Cytogenetic location: 19q13.42.
Variant type: single nucleotide variant.
Coding change: c.24+3G>A on transcript NM_000363.5 (MANE Select); 3 bases into the intron after coding-DNA position 24, G replaced by A.
Molecular consequence: intron variant.
Genome position (GRCh38, 1-based): chr19:55,157,293, C>T on the plus strand (G>A on the coding strand, the complement: TNNI3 is on the minus strand). VCF-style: chr19-55157293-C-T. GRCh37 (hg19) VCF-style: chr19-55668661-C-T.
Identifiers: ClinVar variation 3679983 (VCV003679983.2).